The following is an entry in ClinVar:

NM_003738.5(PTCH2):c.718A>G (p.Lys240Glu)

Gene: PTCH2 (patched 2; minus strand). Cytogenetic location: 1p34.1.
Variant type: single nucleotide variant.
Coding change: c.718A>G on transcript NM_003738.5 (MANE Select); coding-DNA position 718, A replaced by G.
Protein change: p.Lys240Glu; replaces lysine 240 with glutamic acid.
Molecular consequence: missense variant.
Genome position (GRCh38, 1-based): chr1:44,830,943, T>C on the plus strand (A>G on the coding strand, the complement: PTCH2 is on the minus strand). VCF-style: chr1-44830943-T-C. GRCh37 (hg19) VCF-style: chr1-45296615-T-C.
Other names: c.718A>G, p.Lys240Glu (NM_001166292.2); short protein forms K240E.
Identifiers: ClinVar variation 1691543 (VCV001691543.4), dbSNP rs2148879183, ClinGen allele CA340106456.

ClinVar aggregate classification (germline): Uncertain significance (1 of 4 stars; one submission).

Conditions:
Gorlin syndrome. Also called: Basal cell nevus syndrome; Nevoid Basal Cell Carcinoma Syndrome. Identifiers: Orphanet 377, MedGen C0004779, MONDO:0007187.

Submission:

St. Jude Molecular Pathology, St. Jude Children's Research Hospital
Classification: Uncertain significance for Basal cell nevus syndrome 1. Last evaluated: 2022-05-23. Review status: criteria provided, single submitter. Criteria: St. Jude Assertion Criteria 2020. Collection method: clinical testing. Allele origin: germline.
Comment: The PTCH2 c.718A>G (p.Lys240Glu) missense change is absent in gnomAD v2.1.1 (PM2_supporting). It is predicted to have a damaging effect on protein function (PP3), but to our knowledge this prediction has not been confirmed by functional studies. To our knowledge, this variant has not been reported in individuals with Gorlin syndrome. In summary, this variant meets criteria to be classified as of uncertain significance based on the ACMG/AMP criteria: PM2_supporting, PP3.